The following is an entry in ClinVar:

NM_001886.3(CRYBA4):c.159-44G>A

Gene: CRYBA4 (crystallin beta A4; plus strand). Cytogenetic location: 22q12.1.
Variant type: single nucleotide variant.
Coding change: c.159-44G>A on transcript NM_001886.3 (MANE Select); 44 bases into the intron before coding-DNA position 159, G replaced by A.
Molecular consequence: intron variant.
Genome position (GRCh38, 1-based): chr22:26,625,437, G>A. VCF-style: chr22-26625437-G-A. GRCh37 (hg19) VCF-style: chr22-27021401-G-A.
Identifiers: ClinVar variation 677231 (VCV000677231.2), dbSNP rs2071862, ClinGen allele CA10165712.

ClinVar aggregate classification (germline): Benign. Review status: criteria provided, multiple submitters, no conflicts (2 of 4 stars). 2 submissions from 2 submitters: Benign (2). Last evaluated 2018-06-19.

Allele frequency attached by ClinVar (database versions not stated): ESP Exome Variant Server 0.13755; gnomAD 0.14871 and 0.15438; gnomAD exomes 0.15196 and 0.18103; TOPMed 0.15494; ExAC 0.17971; 1000 Genomes Project 30x 0.20331; 1000 Genomes Project 0.20627.
gnomAD v4.1: 245,095 of 1,607,116 alleles (15%); highest among the groups gnomAD compares: East Asian, 39%; 20,966 homozygotes.

Submissions (2):

GeneDx
Classification: Benign. Last evaluated: 2018-06-19. Review status: criteria provided, single submitter. Criteria: GeneDx Variant Classification (06012015). Collection method: clinical testing. Allele origin: germline. Affected: yes.
Comment: This variant is considered likely benign or benign based on one or more of the following criteria: it is a conservative change, it occurs at a poorly conserved position in the protein, it is predicted to be benign by multiple in silico algorithms, and/or has population frequency not consistent with disease.

Breakthrough Genomics
Classification: Benign. Review status: criteria provided, single submitter. Criteria: ACMG Guidelines, 2015. Collection method: not provided. Allele origin: germline. Inheritance: Unknown mechanism. Affected: yes.